The following is an entry in ClinVar:

ClinVar aggregate classification (germline): Uncertain significance. Review status: criteria provided, multiple submitters, no conflicts (2 of 4 stars). 2 submissions from 2 submitters: Uncertain significance (2). Last evaluated 2025-12-09.

Conditions:
Hereditary cancer-predisposing syndrome. Also called: Neoplastic Syndromes, Hereditary; Hereditary neoplastic syndrome; Tumor predisposition; Hereditary Cancer Syndrome. Identifiers: Orphanet 140162, MedGen C0027672, MeSH D009386, MONDO:0015356.
Oligodontia-cancer predisposition syndrome. Also called: TOOTH AGENESIS-COLORECTAL CANCER SYNDROME. Identifiers: Orphanet 300576, MedGen C1837750, MONDO:0012075, OMIM 608615. Disease mechanism: loss of function.

Allele frequency attached by ClinVar (database versions not stated): TOPMed below 0.00001.

Submissions (2):

Labcorp Genetics (formerly Invitae), Labcorp
Classification: Uncertain significance for Oligodontia-cancer predisposition syndrome. Last evaluated: 2025-12-09. Review status: criteria provided, single submitter. Criteria: Invitae Variant Classification Sherloc (09022015). Collection method: clinical testing. Allele origin: germline.
Comment: This sequence change replaces arginine, which is basic and polar, with tryptophan, which is neutral and slightly polar, at codon 834 of the AXIN2 protein (p.Arg834Trp). This variant is not present in population databases (gnomAD no frequency). This variant has not been reported in the literature in individuals affected with AXIN2-related conditions. ClinVar contains an entry for this variant (Variation ID: 240017). Invitae Evidence Modeling of protein sequence and biophysical properties (such as structural, functional, and spatial information, amino acid conservation, physicochemical variation, residue mobility, and thermodynamic stability) indicates that this missense variant is not expected to disrupt AXIN2 protein function with a negative predictive value of 80%. In summary, the available evidence is currently insufficient to determine the role of this variant in disease. Therefore, it has been classified as a Variant of Uncertain Significance.

Ambry Genetics
Classification: Uncertain significance for Hereditary cancer-predisposing syndrome. Last evaluated: 2023-11-08. Review status: criteria provided, single submitter. Criteria: Ambry Variant Classification Scheme 2023. Collection method: clinical testing. Allele origin: germline.
Comment: The p.R834W variant (also known as c.2500C>T), located in coding exon 10 of the AXIN2 gene, results from a C to T substitution at nucleotide position 2500. The arginine at codon 834 is replaced by tryptophan, an amino acid with dissimilar properties. This amino acid position is conserved. In addition, the in silico prediction for this alteration is inconclusive. Since supporting evidence is limited at this time, the clinical significance of this alteration remains unclear.

NM_004655.4(AXIN2):c.2500C>T (p.Arg834Trp)

Gene: AXIN2 (axin 2; minus strand). Cytogenetic location: 17q24.1.
Variant type: single nucleotide variant.
Coding change: c.2500C>T on transcript NM_004655.4 (MANE Select); coding-DNA position 2500, C replaced by T.
Protein change: p.Arg834Trp; replaces arginine 834 with tryptophan.
Molecular consequence: missense variant.
Genome position (GRCh38, 1-based): chr17:65,530,008, G>A on the plus strand (C>T on the coding strand, the complement: AXIN2 is on the minus strand). VCF-style: chr17-65530008-G-A. GRCh37 (hg19) VCF-style: chr17-63526126-G-A.
Other names: c.2500C>T (LRG_296t1); c.2305C>T, p.Arg769Trp (NM_001363813.1); short protein forms R834W, R769W.
Identifiers: ClinVar variation 240017 (VCV000240017.11), dbSNP rs878854728, ClinGen allele CA10583643.